The following is an entry in ClinVar:

ClinVar aggregate classification (germline): Pathogenic (1 of 4 stars; one submission).

Conditions:
Hereditary breast ovarian cancer syndrome. Also called: BRCA1- and BRCA2-Associated Hereditary Breast and Ovarian Cancer; Breast and ovarian cancer; Hereditary breast and/or ovarian cancer syndrome; Hereditary breast and ovarian cancer; Hereditary breast and ovarian cancer syndrome (HBOC); Hereditary breast and ovarian cancer syndrome. Identifiers: Orphanet 145, MedGen C0677776, MeSH D061325, MONDO:0003582. Disease mechanism: loss of function.

Submission:

Labcorp Genetics (formerly Invitae), Labcorp
Classification: Pathogenic for Hereditary breast ovarian cancer syndrome. Last evaluated: 2023-07-27. Review status: criteria provided, single submitter. Criteria: Invitae Variant Classification Sherloc (09022015). Collection method: clinical testing. Allele origin: germline.
Comment: This sequence change creates a premature translational stop signal (p.Val1790*) in the BRCA2 gene. It is expected to result in an absent or disrupted protein product. Loss-of-function variants in BRCA2 are known to be pathogenic (PMID: 20104584). This variant is not present in population databases (gnomAD no frequency). This variant has not been reported in the literature in individuals affected with BRCA2-related conditions. For these reasons, this variant has been classified as Pathogenic.

Literature cited by the submitters: PubMed 20104584.

NM_000059.4(BRCA2):c.5367del (p.Lys1789_Val1790insTer)

Gene: BRCA2 (BRCA2 DNA repair associated; plus strand). Cytogenetic location: 13q13.1.
Variant type: Deletion.
Coding change: c.5367del on transcript NM_000059.4 (MANE Select); coding-DNA position 5367, one base deleted (A; older notation c.5367delA).
Protein change: p.Lys1789_Val1790insTer.
Molecular consequence: frameshift variant. On other transcripts: non-coding transcript variant (1), intron variant (2).
Genome position (GRCh38, 1-based): chr13:32,339,722, A deleted; the last of 3 consecutive A bases (chr13:32,339,720-32,339,722); deleting any one gives the same sequence. VCF-style (leftmost placement, unchanged base first): chr13-32339719-CA-C. GRCh37 (hg19) VCF-style: chr13-32913856-CA-C.
Other names: c.5367del, p.Lys1789_Val1790insTer (NM_001406719.1, NM_001406720.1); c.1910-4836del (NM_001406721.1); c.425-4836del (NM_001406722.1).
Identifiers: ClinVar variation 2747360 (VCV002747360.3), dbSNP rs2548530634, ClinGen allele CA2695217890.